The following is an entry in ClinVar:

ClinVar aggregate classification (germline): Pathogenic (0 of 4 stars; one submission).

Conditions:
Fanconi anemia complementation group A (FANCA). Also called: Fanconi anemia, group A; FANCA-Related Fanconi Anemia. Identifiers: Orphanet 84, MedGen C3469521, MONDO:0009215, OMIM 227650.

Submission:

Leiden Open Variation Database
Classification: Pathogenic for Fanconi anemia complementation group A. Last evaluated: 2020-02-28. Review status: no assertion criteria provided. Collection method: curation. Allele origin: germline. Affected: yes.
Comment: Curator: Arleen D. Auerbach. Submitters to LOVD: Arleen D. Auerbach, Sue Richards.

Literature cited by the submitters: PubMed 10521298; PubMed 25168418.

NC_000016.10:g.(89808368_89810706)_(89816657_?)del

Gene: FANCA (FA complementation group A; minus strand). Cytogenetic location: 16q24.3.
Variant type: Deletion.
Identifiers: ClinVar variation 974076 (VCV000974076.1).